The following is an entry in ClinVar:

ClinVar aggregate classification (germline): Uncertain significance. Review status: criteria provided, multiple submitters, no conflicts (2 of 4 stars). 2 submissions from 2 submitters: Uncertain significance (2). Last evaluated 2025-09-16.

Conditions:
Hereditary cancer-predisposing syndrome. Also called: Neoplastic Syndromes, Hereditary; Hereditary Cancer Syndrome; Tumor predisposition; Hereditary neoplastic syndrome. Identifiers: Orphanet 140162, MedGen C0027672, MeSH D009386, MONDO:0015356.

Submissions (2):

Ambry Genetics
Classification: Uncertain significance for Hereditary cancer-predisposing syndrome. Last evaluated: 2025-09-16. Review status: criteria provided, single submitter. Criteria: Ambry Variant Classification Scheme 2023. Collection method: clinical testing. Allele origin: germline.
Comment: The p.N2406I variant (also known as c.7217A>T), located in coding exon 15 of the APC gene, results from an A to T substitution at nucleotide position 7217. The asparagine at codon 2406 is replaced by isoleucine, an amino acid with dissimilar properties. This amino acid position is well conserved in available vertebrate species. In addition, in silico predictors for this gene do not accurately predict pathogenicity. Missense alterations in APC are not a common cause of disease (Spier I et al. Genet Med. 2024 Feb;26(2):100992). Based on the available evidence, the clinical significance of this variant remains unclear.

Revvity Omics, Revvity
Classification: Uncertain significance. Last evaluated: 2024-10-25. Review status: criteria provided, single submitter. Criteria: ACMG Guidelines, 2015. Collection method: clinical testing. Allele origin: germline.

NM_000038.6(APC):c.7217A>T (p.Asn2406Ile)

Gene: APC (APC regulator of Wnt signaling pathway; plus strand). Cytogenetic location: 5q22.2.
Variant type: single nucleotide variant.
Coding change: c.7217A>T on transcript NM_000038.6 (MANE Select); coding-DNA position 7217, A replaced by T.
Protein change: p.Asn2406Ile; replaces asparagine 2406 with isoleucine.
Molecular consequence: missense variant. On other transcripts: non-coding transcript variant (2).
Genome position (GRCh38, 1-based): chr5:112,842,811, A>T. VCF-style: chr5-112842811-A-T. GRCh37 (hg19) VCF-style: chr5-112178508-A-T.
Other names: c.7217A>T, p.Asn2406Ile (NM_001127510.3, NM_001354895.2, NM_001407450.1); c.7163A>T, p.Asn2388Ile (NM_001127511.3); c.7271A>T, p.Asn2424Ile (NM_001354896.2, NM_001407447.1, NM_001407448.1 and 1 more transcripts); c.7247A>T, p.Asn2416Ile (NM_001354897.2); c.7142A>T, p.Asn2381Ile (NM_001354898.2); c.7133A>T, p.Asn2378Ile (NM_001354899.2); c.7094A>T, p.Asn2365Ile (NM_001354900.2); c.7040A>T, p.Asn2347Ile (NM_001354901.2, NM_001407453.1); and 12 more; short protein forms N2022I, N2123I, N2246I, N2277I, N2280I, N2305I, N2315I, N2323I.
Identifiers: ClinVar variation 2688585 (VCV002688585.3), dbSNP rs1766416622, ClinGen allele CA16037051.
Genomic context (GRCh38, chr5:112,842,811, plus strand): 5'-AGAATGCCAGTAGTATTCCAAGAAGTGAGTCTGCCTCCAAAGGACTAAATCAGATGAATA[A>T]TGGTAATGGAGCCAATAAAAAGGTAGAACTTTCTAGAATGTCTTCAACTAAATCAAGTGG-3'
Protein context (NP_000029.2, residues 2396-2416): SASKGLNQMN[Asn2406Ile]GNGANKKVEL